The following is an entry in ClinVar:

NM_033305.3(VPS13A):c.1049_1050insTGTATAAGAGACA (p.Trp350delinsCysValTer)

Gene: VPS13A (vacuolar protein sorting 13 homolog A; plus strand). Cytogenetic location: 9q21.2.
Variant type: Insertion.
Coding change: c.1049_1050insTGTATAAGAGACA on transcript NM_033305.3 (MANE Select); coding-DNA positions 1049 to 1050, TGTATAAGAGACA inserted.
Protein change: p.Trp350delinsCysValTer.
Molecular consequence: nonsense.
Genome position: GRCh38 VCF-style: chr9-77221244-G-GTGTATAAGAGACA. GRCh37 (hg19) VCF-style: chr9-79836160-G-GTGTATAAGAGACA.
Other names: c.1049_1050insTGTATAAGAGACA, p.Trp350delinsCysValTer (NM_001018037.2, NM_001018038.3, NM_015186.4).
Identifiers: ClinVar variation 5011207 (VCV005011207.1).

ClinVar aggregate classification (germline): Pathogenic (1 of 4 stars; one submission).

Conditions:
VPS13A-related neurodegenerative disease. Also called: ACANTHOCYTOSIS WITH NEUROLOGIC DISORDER; LEVINE-CRITCHLEY SYNDROME; Choreoacanthocytosis; Chorea-acanthocytosis; Choreaacanthocytosis; VPS13A Disease. Identifiers: Orphanet 2388, MedGen C0393576, MONDO:0008695, OMIM 200150.

Submission:

Myriad Genetics, Inc.
Classification: Pathogenic for VPS13A-related neurodegenerative disease. Last evaluated: 2024-05-14. Review status: criteria provided, single submitter. Criteria: Myriad Autosomal Dominant, Autosomal Recessive and X-Linked Classification Criteria (2023). Collection method: clinical testing. Allele origin: unknown.
Comment: NM_033305.2(VPS13A):c.1049_1050ins13(W350Cfs*3) is expected to be pathogenic in the context of VPS13A disease. This variant is predicted to lead to an abnormal or absent protein product due to the creation of a premature termination codon in VPS13A, a gene where loss-of-function variants are known to be pathogenic. Please note: this variant was assessed in the context of healthy population screening.